The following is an entry in ClinVar:

NM_014235.5(UBL4A):c.220C>T (p.Leu74=)

Gene: UBL4A (ubiquitin like 4A; minus strand). Cytogenetic location: Xq28.
Variant type: single nucleotide variant.
Coding change: c.220C>T on transcript NM_014235.5 (MANE Select); coding-DNA position 220, C replaced by T.
Protein change: p.Leu74=; no amino-acid change (leucine 74 retained).
Molecular consequence: synonymous variant.
Genome position (GRCh38, 1-based): chrX:154,485,914, G>A on the plus strand (C>T on the coding strand, the complement: UBL4A is on the minus strand). VCF-style: chrX-154485914-G-A. GRCh37 (hg19) VCF-style: chrX-153714253-G-A.
Identifiers: ClinVar variation 2661848 (VCV002661848.24), dbSNP rs2069294191, ClinGen allele CA519286231.

ClinVar aggregate classification (germline): Likely benign (1 of 4 stars; one submission).

Allele frequency attached by ClinVar (database versions not stated): gnomAD exomes below 0.00001.

Submission:

CeGaT Center for Human Genetics Tuebingen
Classification: Likely benign. Last evaluated: 2022-11-01. Review status: criteria provided, single submitter. Criteria: CeGaT Center For Human Genetics Tuebingen Variant Classification Criteria Version 2. Collection method: clinical testing. Allele origin: germline. Affected: yes. Observed: 1 variant allele.
Comment: UBL4A: PM2:Supporting, BP4, BP7